The following is an entry in ClinVar:

NM_000170.3(GLDC):c.2411del (p.Pro804fs)

Gene: GLDC (glycine decarboxylase; minus strand). Cytogenetic location: 9p24.1.
Variant type: Deletion.
Coding change: c.2411del on transcript NM_000170.3 (MANE Select); coding-DNA position 2411, one base deleted (C; older notation c.2411delC).
Protein change: p.Pro804fs; shifts the reading frame from proline 804.
Molecular consequence: frameshift variant.
Genome position (GRCh38, 1-based): chr9:6,553,414, G deleted on the plus strand (C on the coding strand, the reverse complement: GLDC is on the minus strand); the first of 4 consecutive G bases (chr9:6,553,414-6,553,417); deleting any one gives the same sequence. VCF-style (leftmost placement, unchanged base first): chr9-6553413-TG-T. GRCh37 (hg19) VCF-style: chr9-6553413-TG-T.
Other names: short protein forms P804fs.
Identifiers: ClinVar variation 5015410 (VCV005015410.1).

ClinVar aggregate classification (germline): Pathogenic (1 of 4 stars; one submission).

Conditions:
Glycine encephalopathy 1 (GCE1). Identifiers: MedGen CN376801, MONDO:0958179, OMIM 605899.

Submission:

Myriad Genetics, Inc.
Classification: Pathogenic for Glycine encephalopathy 1. Last evaluated: 2026-01-12. Review status: criteria provided, single submitter. Criteria: Myriad Autosomal Dominant, Autosomal Recessive and X-Linked Classification Criteria (2023). Collection method: clinical testing. Allele origin: unknown.
Comment: NM_000170.2(GLDC):c.2411delC(P804Hfs*17) is expected to be pathogenic in the context of glycine encephalopathy, GLDC-related. This variant is predicted to lead to an abnormal or absent protein product due to the creation of a premature termination codon in GLDC, a gene where loss-of-function variants are known to be pathogenic. Please note: this variant was assessed in the context of healthy population screening.